The following is an entry in ClinVar:

NM_207122.2(EXT2):c.1307A>G (p.Lys436Arg)

Genes: EXT2 (exostosin glycosyltransferase 2; plus strand), LOC126861201 (MED14-independent group 3 enhancer GRCh37_chr11:44218806-44220005; plus strand). Cytogenetic location: 11p11.2.
Variant type: single nucleotide variant.
Coding change: c.1307A>G on transcript NM_207122.2 (MANE Select); coding-DNA position 1307, A replaced by G.
Protein change: p.Lys436Arg; replaces lysine 436 with arginine.
Molecular consequence: missense variant.
Genome position (GRCh38, 1-based): chr11:44,197,830, A>G. VCF-style: chr11-44197830-A-G. GRCh37 (hg19) VCF-style: chr11-44219380-A-G.
Other names: c.1406A>G, p.Lys469Arg (NM_000401.3); c.1337A>G, p.Lys446Arg (NM_001178083.3); c.1307A>G, p.Lys436Arg (NM_001389628.1, NM_001389630.1); short protein forms K436R, K446R, K469R.
Identifiers: ClinVar variation 4885663 (VCV004885663.2).

ClinVar aggregate classification (germline): Uncertain significance (1 of 4 stars; one submission).

gnomAD v4.1: 2 of 1,613,968 alleles (0.00012%); highest among the groups gnomAD compares: Non-Finnish European, 0.00017%; no homozygotes.

Submission:

Dasa
Classification: Uncertain significance. Last evaluated: 2025-12-05. Review status: criteria provided, single submitter. Criteria: DASA Assertion Criteria. Collection method: clinical testing. Allele origin: germline.
Comment: NM_207122.2(EXT2):c.1307A>G (p.Lys436Arg) is a missense variant that results in the substitution of lysine with arginine. This variant is rare in population databases. The currently available literature and clinical evidence are not sufficient to establish a definitive association between this variant and the reported condition. Therefore, this variant is classified as a variant of uncertain significance.